The following is an entry in ClinVar:

NM_144701.3(IL23R):c.1301T>C (p.Ile434Thr)

Gene: IL23R (interleukin 23 receptor; plus strand). Cytogenetic location: 1p31.3.
Variant type: single nucleotide variant.
Coding change: c.1301T>C on transcript NM_144701.3 (MANE Select); coding-DNA position 1301, T replaced by C.
Protein change: p.Ile434Thr; replaces isoleucine 434 with threonine.
Molecular consequence: missense variant.
Genome position (GRCh38, 1-based): chr1:67,258,539, T>C. VCF-style: chr1-67258539-T-C. GRCh37 (hg19) VCF-style: chr1-67724222-T-C.
Other names: short protein forms I434T.
Identifiers: ClinVar variation 2971221 (VCV002971221.3), dbSNP rs1246947739, ClinGen allele CA340727810.

ClinVar aggregate classification (germline): Uncertain significance (1 of 4 stars; one submission).

Allele frequency attached by ClinVar (database versions not stated): gnomAD 0.00001; gnomAD exomes 0.00001; TOPMed 0.00001.
gnomAD v4.1: 9 of 1,607,916 alleles (0.00056%); highest among the groups gnomAD compares: Non-Finnish European, 0.00076%; no homozygotes.

Submission:

Labcorp Genetics (formerly Invitae), Labcorp
Classification: Uncertain significance. Last evaluated: 2023-08-08. Review status: criteria provided, single submitter. Criteria: Invitae Variant Classification Sherloc (09022015). Collection method: clinical testing. Allele origin: germline.
Comment: An algorithm developed to predict the effect of missense changes on protein structure and function (PolyPhen-2) suggests that this variant is likely to be disruptive. In summary, the available evidence is currently insufficient to determine the role of this variant in disease. Therefore, it has been classified as a Variant of Uncertain Significance. This variant has not been reported in the literature in individuals affected with IL23R-related conditions. This variant is present in population databases (no rsID available, gnomAD 0.0009%). This sequence change replaces isoleucine, which is neutral and non-polar, with threonine, which is neutral and polar, at codon 434 of the IL23R protein (p.Ile434Thr).